The following is an entry in ClinVar:

ClinVar aggregate classification (germline): Uncertain significance (1 of 4 stars; one submission).

Submission:

GeneDx
Classification: Uncertain significance. Last evaluated: 2024-05-20. Review status: criteria provided, single submitter. Criteria: GeneDx Variant Classification Process June 2021. Collection method: clinical testing. Allele origin: germline. Affected: yes.
Comment: Not observed at significant frequency in large population cohorts (gnomAD); In silico analysis supports that this missense variant has a deleterious effect on protein structure/function; Has not been previously published as pathogenic or benign to our knowledge

NM_145239.3(PRRT2):c.80A>C (p.His27Pro)

Genes: MVP-DT (MVP divergent transcript; minus strand), PRRT2 (proline rich transmembrane protein 2; plus strand). Cytogenetic location: 16p11.2.
Variant type: single nucleotide variant.
Coding change: c.80A>C on transcript NM_145239.3 (MANE Select); coding-DNA position 80, A replaced by C.
Protein change: p.His27Pro; replaces histidine 27 with proline.
Molecular consequence: missense variant.
Genome position (GRCh38, 1-based): chr16:29,813,134, A>C. VCF-style: chr16-29813134-A-C. GRCh37 (hg19) VCF-style: chr16-29824455-A-C.
Other names: c.80A>C, p.His27Pro (NM_001256442.2, NM_001256443.2); short protein forms H27P.
Identifiers: ClinVar variation 3381556 (VCV003381556.1).